The following is an entry in ClinVar:

ClinVar aggregate classification (germline): Uncertain significance (1 of 4 stars; one submission).

gnomAD v4.1: 18 of 1,612,032 alleles (0.0011%); highest among the groups gnomAD compares: Non-Finnish European, 0.0015%; no homozygotes.

Submission:

Labcorp Genetics (formerly Invitae), Labcorp
Classification: Uncertain significance. Last evaluated: 2023-02-27. Review status: criteria provided, single submitter. Criteria: Invitae Variant Classification Sherloc (09022015). Collection method: clinical testing. Allele origin: germline.
Comment: In summary, the available evidence is currently insufficient to determine the role of this variant in disease. Therefore, it has been classified as a Variant of Uncertain Significance. Advanced modeling of protein sequence and biophysical properties (such as structural, functional, and spatial information, amino acid conservation, physicochemical variation, residue mobility, and thermodynamic stability) performed at Invitae indicates that this missense variant is not expected to disrupt BRD4 protein function. This variant has not been reported in the literature in individuals affected with BRD4-related conditions. This variant is present in population databases (rs200484332, gnomAD 0.004%). This sequence change replaces serine, which is neutral and polar, with tryptophan, which is neutral and slightly polar, at codon 601 of the BRD4 protein (p.Ser601Trp).

NM_001379291.1(BRD4):c.1802C>G (p.Ser601Trp)

Gene: BRD4 (bromodomain containing 4; minus strand). Cytogenetic location: 19p13.12.
Variant type: single nucleotide variant.
Coding change: c.1802C>G on transcript NM_001379291.1 (MANE Select); coding-DNA position 1802, C replaced by G.
Protein change: p.Ser601Trp; replaces serine 601 with tryptophan.
Molecular consequence: missense variant.
Genome position (GRCh38, 1-based): chr19:15,255,542, G>C on the plus strand (C>G on the coding strand, the complement: BRD4 is on the minus strand). VCF-style: chr19-15255542-G-C. GRCh37 (hg19) VCF-style: chr19-15366353-G-C.
Other names: c.1802C>G, p.Ser601Trp (NM_001330384.2, NM_001379292.1, NM_014299.3 and 1 more transcripts); short protein forms S601W.
Identifiers: ClinVar variation 2792617 (VCV002792617.3), dbSNP rs200484332, ClinGen allele CA9265262.